The following is an entry in ClinVar:

NM_000428.3(LTBP2):c.4232T>G (p.Met1411Arg)

Gene: LTBP2 (latent transforming growth factor beta binding protein 2; minus strand). Cytogenetic location: 14q24.3.
Variant type: single nucleotide variant.
Coding change: c.4232T>G on transcript NM_000428.3 (MANE Select); coding-DNA position 4232, T replaced by G.
Protein change: p.Met1411Arg; replaces methionine 1411 with arginine.
Molecular consequence: missense variant.
Genome position (GRCh38, 1-based): chr14:74,505,120, A>C on the plus strand (T>G on the coding strand, the complement: LTBP2 is on the minus strand). VCF-style: chr14-74505120-A-C. GRCh37 (hg19) VCF-style: chr14-74971823-A-C.
Other names: short protein forms M1411R.
Identifiers: ClinVar variation 885538 (VCV000885538.6), dbSNP rs578210394, ClinGen allele CA7268814.

ClinVar aggregate classification (germline): Uncertain significance. Review status: criteria provided, multiple submitters, no conflicts (2 of 4 stars). 3 submissions from 2 submitters: Uncertain significance (3). Last evaluated 2022-09-01.

Conditions:
Weill-Marchesani syndrome. Also called: WM Syndrome; Mesodermal dysmorphodystrophy congenital. Identifiers: Orphanet 3449, MedGen C0265313, MONDO:0018096.
Glaucoma 3, primary congenital, D. Identifiers: Orphanet 98976, MedGen C2751316, MONDO:0013122, OMIM 613086.

Allele frequency attached by ClinVar (database versions not stated): TOPMed below 0.00001; 1000 Genomes Project 30x 0.00016; 1000 Genomes Project 0.00020.

Submissions (3):

Labcorp Genetics (formerly Invitae), Labcorp
Classification: Uncertain significance. Last evaluated: 2022-09-01. Review status: criteria provided, single submitter. Criteria: Invitae Variant Classification Sherloc (09022015). Collection method: clinical testing. Allele origin: germline.
Comment: In summary, the available evidence is currently insufficient to determine the role of this variant in disease. Therefore, it has been classified as a Variant of Uncertain Significance. Algorithms developed to predict the effect of sequence changes on RNA splicing suggest that this variant may create or strengthen a splice site. Algorithms developed to predict the effect of missense changes on protein structure and function output the following: SIFT: "Deleterious"; PolyPhen-2: "Benign"; Align-GVGD: "Class C0". The arginine amino acid residue is found in multiple mammalian species, which suggests that this missense change does not adversely affect protein function. ClinVar contains an entry for this variant (Variation ID: 885538). This variant has not been reported in the literature in individuals affected with LTBP2-related conditions. This variant is present in population databases (rs578210394, gnomAD 0.003%). This sequence change replaces methionine, which is neutral and non-polar, with arginine, which is basic and polar, at codon 1411 of the LTBP2 protein (p.Met1411Arg).

Illumina Laboratory Services, Illumina
Classification: Uncertain significance for Weill-Marchesani syndrome. Last evaluated: 2018-01-12. Review status: criteria provided, single submitter. Criteria: ICSL Variant Classification Criteria 13 December 2019. Collection method: clinical testing. Allele origin: germline.

Illumina Laboratory Services, Illumina
Classification: Uncertain significance for Glaucoma 3, primary congenital, D. Last evaluated: 2018-01-12. Review status: criteria provided, single submitter. Criteria: ICSL Variant Classification Criteria 13 December 2019. Collection method: clinical testing. Allele origin: germline.